The following is an entry in ClinVar:

ClinVar aggregate classification (germline): Conflicting classifications of pathogenicity. Review status: criteria provided, conflicting classifications (1 of 4 stars). 9 submissions from 9 submitters: Uncertain significance (6); Likely benign (1). 2 of the submissions do not count toward it. Last evaluated 2026-05-28.

Conditions:
Hereditary cancer-predisposing syndrome. Also called: Neoplastic Syndromes, Hereditary; Hereditary neoplastic syndrome; Hereditary Cancer Syndrome; Tumor predisposition. Identifiers: Orphanet 140162, MedGen C0027672, MeSH D009386, MONDO:0015356.
Hereditary breast ovarian cancer syndrome. Also called: Hereditary breast and/or ovarian cancer syndrome; Hereditary breast and ovarian cancer syndrome (HBOC); Breast and ovarian cancer; Hereditary breast and ovarian cancer syndrome; Hereditary breast and ovarian cancer; BRCA1- and BRCA2-Associated Hereditary Breast and Ovarian Cancer. Identifiers: Orphanet 145, MedGen C0677776, MeSH D061325, MONDO:0003582. Disease mechanism: loss of function.
Breast-ovarian cancer, familial, susceptibility to, 2 (BROVCA2). Also called: BRCA2 Hereditary Breast and Ovarian Cancer. Identifiers: Orphanet 145, MedGen C2675520, MONDO:0012933, OMIM 612555. Disease mechanism: loss of function.

Allele frequency attached by ClinVar (database versions not stated): gnomAD exomes below 0.00001 and 0.00002; TOPMed below 0.00001; gnomAD 0.00001.
gnomAD v4.1: 24 of 1,613,786 alleles (0.0015%); highest among the groups gnomAD compares: Non-Finnish European, 0.002%; no homozygotes.

Submissions (9):

Women's Health and Genetics/Laboratory Corporation of America, LabCorp
Classification: Uncertain significance. Last evaluated: 2026-05-28. Review status: criteria provided, single submitter. Criteria: LabCorp Variant Classification Summary - May 2015. Collection method: clinical testing. Allele origin: germline.
Comment: Variant summary: BRCA2 c.740T>C (p.Ile247Thr) results in a non-conservative amino acid change in the encoded protein sequence. Algorithms developed to predict the effect of missense changes on protein structure and function are either unavailable or do not agree on the potential impact of this missense change. The variant allele was found at a frequency of 4e-06 in 250972 control chromosomes (gnomAD). The available data on variant occurrences in the general population are insufficient to allow any conclusion about variant significance. c.740T>C has been observed in individuals affected with breast or ovarian cancer (e.g. AbdelHamid_2021, Bhai_2021, Dorling_2021). These reports do not provide unequivocal conclusions about association of the variant with disease. To our knowledge, no experimental evidence demonstrating an impact on protein function has been reported. The following publications have been ascertained in the context of this evaluation (PMID: 33278427, 34326862, 33471991). ClinVar contains an entry for this variant (Variation ID: 52321). Based on the evidence outlined above, the variant was classified as uncertain significance.

Color Diagnostics, LLC DBA Color Health
Classification: Uncertain significance for Hereditary cancer-predisposing syndrome. Last evaluated: 2025-04-14. Review status: criteria provided, single submitter. Criteria: ACMG Guidelines, 2015. Collection method: clinical testing. Allele origin: germline.
Comment: This missense variant replaces isoleucine with threonine at codon 247 of the BRCA2 protein. Computational prediction suggests that this variant may not impact protein structure and function. To our knowledge, functional studies have not been reported for this variant. This variant has not been reported in individuals affected with hereditary cancer in the literature. This variant has been identified in 1/250972 chromosomes in the general population by the Genome Aggregation Database (gnomAD). The available evidence is insufficient to determine the role of this variant in disease conclusively. Therefore, this variant is classified as a Variant of Uncertain Significance.

Quest Diagnostics Nichols Institute San Juan Capistrano
Classification: Uncertain significance. Last evaluated: 2024-05-27. Review status: criteria provided, single submitter. Criteria: Quest Diagnostics criteria. Collection method: clinical testing. Allele origin: unknown.
Comment: The BRCA2 c.740T>C (p.Ile247Thr) variant has been reported in the published literature in individuals with ovarian cancer (PMID: 34326862 (2021)) and breast cancer (PMID: 33278427 (2021), 33471991 (2021), see also LOVD). The frequency of this variant in the general population, 0.000004 (1/250972 chromosomes (Genome Aggregation Database)), is uninformative in the assessment of its pathogenicity. Analysis of this variant using bioinformatics tools for the prediction of the effect of amino acid changes on protein structure and function yielded predictions that this variant is benign. Based on the available information, we are unable to determine the clinical significance of this variant.

Labcorp Genetics (formerly Invitae), Labcorp
Classification: Likely benign for Hereditary breast ovarian cancer syndrome. Last evaluated: 2024-05-06. Review status: criteria provided, single submitter. Criteria: Invitae Variant Classification Sherloc (09022015). Collection method: clinical testing. Allele origin: germline.

Ambry Genetics
Classification: Uncertain significance for Hereditary cancer-predisposing syndrome. Last evaluated: 2024-01-23. Review status: criteria provided, single submitter. Criteria: Ambry Variant Classification Scheme 2023. Collection method: clinical testing. Allele origin: germline.
Comment: The p.I247T variant (also known as c.740T>C), located in coding exon 8 of the BRCA2 gene, results from a T to C substitution at nucleotide position 740. The isoleucine at codon 247 is replaced by threonine, an amino acid with similar properties. This amino acid position is not well conserved in available vertebrate species. In addition, this alteration is predicted to be tolerated by in silico analysis. Since supporting evidence is limited at this time, the clinical significance of this alteration remains unclear.

GeneDx
Classification: Uncertain significance. Last evaluated: 2024-01-09. Review status: criteria provided, single submitter. Criteria: GeneDx Variant Classification Process June 2021. Collection method: clinical testing. Allele origin: germline. Affected: yes.
Comment: Observed in individuals with breast or ovarian cancer (PMID: 34326862, 33278427); Not observed at significant frequency in large population cohorts (gnomAD); In silico analysis supports that this missense variant does not alter protein structure/function; Also known as 968T>C; This variant is associated with the following publications: (PMID: 34326862, 24817641, 23704879, 29884841, 31853058, 32377563, 33278427)

All of Us Research Program, National Institutes of Health
Classification: Uncertain significance for Breast-ovarian cancer, familial, susceptibility to, 2. Last evaluated: 2023-03-04. Review status: criteria provided, single submitter. Criteria: ACMG Guidelines, 2015. Collection method: clinical testing. Allele origin: germline. Inheritance: Autosomal dominant inheritance. Observed: 1 variant allele, 1 heterozygote.
Comment: This missense variant replaces isoleucine with threonine at codon 247 of the BRCA2 protein. Computational prediction suggests that this variant may not impact protein structure and function (internally defined REVEL score threshold <= 0.5, PMID: 27666373). To our knowledge, functional studies have not been reported for this variant. This variant has not been reported in individuals affected with hereditary cancer in the literature. This variant has been identified in 1/250972 chromosomes in the general population by the Genome Aggregation Database (gnomAD). The available evidence is insufficient to determine the role of this variant in disease conclusively. Therefore, this variant is classified as a Variant of Uncertain Significance.

This study involves interpretation of variants in research participants for the purpose of population health screening. Participant phenotype was not available at the time of variant classification. Additional details can be found in publication PMID: 35346344, PMCID: PMC8962531

Counsyl
Classification: Uncertain significance for Breast-ovarian cancer, familial, susceptibility to, 2. Last evaluated: 2016-08-10. Review status: no assertion criteria provided. Collection method: clinical testing. Allele origin: unknown. Not counted in ClinVar's aggregate classification.

Breast Cancer Information Core (BIC) (BRCA2)
Classification: Uncertain significance for Breast-ovarian cancer, familial 2. Last evaluated: 2002-05-29. Review status: no assertion criteria provided. Collection method: clinical testing. Allele origin: germline. Affected: yes. Observed: 1 variant allele. Not counted in ClinVar's aggregate classification.

Literature cited by the submitters: PubMed 33471991 (cited by Women's Health and Genetics/Laboratory Corporation of America, LabCorp and Quest Diagnostics Nichols Institute San Juan Capistrano); PubMed 34326862 (cited by Women's Health and Genetics/Laboratory Corporation of America, LabCorp and Quest Diagnostics Nichols Institute San Juan Capistrano); PubMed 33278427 (cited by Women's Health and Genetics/Laboratory Corporation of America, LabCorp and Quest Diagnostics Nichols Institute San Juan Capistrano); PubMed 23704879 (cited by Quest Diagnostics Nichols Institute San Juan Capistrano and Counsyl); PubMed 24817641 (cited by Counsyl).

NM_000059.4(BRCA2):c.740T>C (p.Ile247Thr)

Gene: BRCA2 (BRCA2 DNA repair associated; plus strand). Cytogenetic location: 13q13.1.
Variant type: single nucleotide variant.
Coding change: c.740T>C on transcript NM_000059.4 (MANE Select); coding-DNA position 740, T replaced by C.
Protein change: p.Ile247Thr; replaces isoleucine 247 with threonine.
Molecular consequence: missense variant.
Genome position (GRCh38, 1-based): chr13:32,330,977, T>C. VCF-style: chr13-32330977-T-C. GRCh37 (hg19) VCF-style: chr13-32905114-T-C.
Other names: short protein forms I247T.
Identifiers: ClinVar variation 52321 (VCV000052321.25), dbSNP rs80358962, ClinGen allele CA025060.